The following is an entry in ClinVar:

ClinVar aggregate classification (germline): Benign (1 of 4 stars; one submission).

Allele frequency attached by ClinVar (database versions not stated): TOPMed 0.24647; 1000 Genomes Project 30x 0.25219; gnomAD 0.25302 and 0.25371; 1000 Genomes Project 0.25379.
gnomAD v4.1: 38,676 of 152,154 alleles (25%); highest among the groups gnomAD compares: East Asian, 41%; 5,089 homozygotes.

Submission:

GeneDx
Classification: Benign. Last evaluated: 2018-06-19. Review status: criteria provided, single submitter. Criteria: GeneDx Variant Classification (06012015). Collection method: clinical testing. Allele origin: germline. Affected: yes.
Comment: This variant is considered likely benign or benign based on one or more of the following criteria: it is a conservative change, it occurs at a poorly conserved position in the protein, it is predicted to be benign by multiple in silico algorithms, and/or has population frequency not consistent with disease.

NM_006514.4(SCN10A):c.3805-240A>G

Gene: SCN10A (sodium voltage-gated channel alpha subunit 10; minus strand). Cytogenetic location: 3p22.2.
Variant type: single nucleotide variant.
Coding change: c.3805-240A>G on transcript NM_006514.4 (MANE Select); 240 bases into the intron before coding-DNA position 3805, A replaced by G.
Molecular consequence: intron variant.
Genome position (GRCh38, 1-based): chr3:38,712,685, T>C on the plus strand (A>G on the coding strand, the complement: SCN10A is on the minus strand). VCF-style: chr3-38712685-T-C. GRCh37 (hg19) VCF-style: chr3-38754176-T-C.
Other names: c.3511-240A>G (NM_001293307.2); c.3802-240A>G (NM_001293306.2).
Identifiers: ClinVar variation 669333 (VCV000669333.1), dbSNP rs62242430, ClinGen allele CA72950640.